The following is an entry in ClinVar:

NM_000088.4(COL1A1):c.3223G>C (p.Ala1075Pro)

Gene: COL1A1 (collagen type I alpha 1 chain; minus strand). Cytogenetic location: 17q21.33.
Variant type: single nucleotide variant.
Coding change: c.3223G>C on transcript NM_000088.4 (MANE Select); coding-DNA position 3223, G replaced by C.
Protein change: p.Ala1075Pro; replaces alanine 1075 with proline.
Molecular consequence: missense variant.
Genome position (GRCh38, 1-based): chr17:50,188,134, C>G on the plus strand (G>C on the coding strand, the complement: COL1A1 is on the minus strand). VCF-style: chr17-50188134-C-G. GRCh37 (hg19) VCF-style: chr17-48265495-T-G.
Other names: short protein forms A1075P.
Identifiers: ClinVar variation 2810299 (VCV002810299.3), dbSNP rs1800215, ClinGen allele CA400200231.

ClinVar aggregate classification (germline): Uncertain significance (1 of 4 stars; one submission).

Conditions:
Osteogenesis imperfecta type I (OI1). Also called: Lobstein disease; Classic Non-deforming Osteogenesis Imperfecta with Blue Sclerae; OI, TYPE I; OSTEOGENESIS IMPERFECTA TARDA; OSTEOGENESIS IMPERFECTA WITH BLUE SCLERAE; Osteogenesis imperfecta type 1. Identifiers: Orphanet 216796, Orphanet 666, MedGen C0023931, MONDO:0008146, OMIM 166200. Disease mechanism: loss of function.

Submission:

Labcorp Genetics (formerly Invitae), Labcorp
Classification: Uncertain significance for Osteogenesis imperfecta type I. Last evaluated: 2023-01-11. Review status: criteria provided, single submitter. Criteria: Invitae Variant Classification Sherloc (09022015). Collection method: clinical testing. Allele origin: germline.
Comment: This variant is not present in population databases (gnomAD no frequency). In summary, the available evidence is currently insufficient to determine the role of this variant in disease. Therefore, it has been classified as a Variant of Uncertain Significance. Experimental studies and prediction algorithms are not available or were not evaluated, and the functional significance of this variant is currently unknown. This variant has not been reported in the literature in individuals affected with COL1A1-related conditions. This sequence change replaces alanine, which is neutral and non-polar, with proline, which is neutral and non-polar, at codon 1075 of the COL1A1 protein (p.Ala1075Pro).